The following is an entry in ClinVar:

NM_001083962.2(TCF4):c.446A>G (p.Tyr149Cys)

Gene: TCF4 (transcription factor 4; minus strand). Cytogenetic location: 18q21.2.
Variant type: single nucleotide variant.
Coding change: c.446A>G on transcript NM_001083962.2 (MANE Select); coding-DNA position 446, A replaced by G.
Protein change: p.Tyr149Cys; replaces tyrosine 149 with cysteine.
Molecular consequence: missense variant.
Genome position (GRCh38, 1-based): chr18:55,350,927, T>C on the plus strand (A>G on the coding strand, the complement: TCF4 is on the minus strand). VCF-style: chr18-55350927-T-C. GRCh37 (hg19) VCF-style: chr18-53018158-T-C.
Other names: c.56A>G, p.Tyr19Cys (NM_001348213.2, NM_001348212.2, NM_001243233.2 and 1 more transcripts); c.374A>G, p.Tyr125Cys (NM_001348217.1, NM_001348218.2, NM_001348219.2 and 9 more transcripts); c.371A>G, p.Tyr124Cys (NM_001348220.1, NM_001369576.1, NM_001369578.1 and 3 more transcripts); c.752A>G, p.Tyr251Cys (NM_001243226.3); c.320A>G, p.Tyr107Cys (NM_001348211.2, NM_001243231.2); c.446A>G, p.Tyr149Cys (NM_001243228.2, NM_001330604.3, NM_001369571.1 and 5 more transcripts); c.440A>G, p.Tyr147Cys (NM_001243230.2); c.233A>G, p.Tyr78Cys (NM_001243232.1, NM_001306208.1); and 1 more; short protein forms Y107C, Y125C, Y148C, Y19C, Y147C, Y251C, Y78C, Y124C.
Identifiers: ClinVar variation 653383 (VCV000653383.12), dbSNP rs1603286090, ClinGen allele CA402702567.

ClinVar aggregate classification (germline): Conflicting classifications of pathogenicity. Review status: criteria provided, conflicting classifications (1 of 4 stars). 2 submissions from 2 submitters: Uncertain significance (1); Likely benign (1). Last evaluated 2023-06-27.

Conditions:
Pitt-Hopkins syndrome (PTHS). Also called: ENCEPHALOPATHY, SEVERE EPILEPTIC, WITH AUTONOMIC DYSFUNCTION; MENTAL RETARDATION, SYNDROMAL, WITH INTERMITTENT HYPERVENTILATION. Identifiers: Orphanet 2896, MedGen C1970431, MONDO:0012589, OMIM 610954.

Allele frequency attached by ClinVar (database versions not stated): gnomAD exomes below 0.00001; gnomAD 0.00001.
gnomAD v4.1: 2 of 1,613,526 alleles (0.00012%); highest among the groups gnomAD compares: African/African-American, 0.0013%; no homozygotes.

Submissions (2):

Labcorp Genetics (formerly Invitae), Labcorp
Classification: Likely benign for Pitt-Hopkins syndrome. Last evaluated: 2023-06-27. Review status: criteria provided, single submitter. Criteria: Invitae Variant Classification Sherloc (09022015). Collection method: clinical testing. Allele origin: germline.

GeneDx
Classification: Uncertain significance. Last evaluated: 2019-11-08. Review status: criteria provided, single submitter. Criteria: GeneDx Variant Classification Process June 2021. Collection method: clinical testing. Allele origin: germline. Affected: yes.
Comment: Not observed in large population cohorts (Lek et al., 2016); In silico analysis, which includes protein predictors and evolutionary conservation, supports a deleterious effect; Has not been previously published as pathogenic or benign to our knowledge